The following is an entry in ClinVar:

ClinVar aggregate classification (germline): Pathogenic/Likely pathogenic. Review status: criteria provided, multiple submitters, no conflicts (2 of 4 stars). 5 submissions from 5 submitters: Pathogenic (2); Likely pathogenic (3). Last evaluated 2026-02-25.

Conditions:
Cardiovascular phenotype. Identifiers: MedGen CN230736.
Alstrom syndrome (ALMS). Identifiers: Orphanet 64, MedGen C0268425, MONDO:0008763, OMIM 203800.

Allele frequency attached by ClinVar (database versions not stated): gnomAD exomes below 0.00001; ExAC 0.00001; gnomAD 0.00001; TOPMed 0.00001.
gnomAD v4.1: 5 of 1,613,930 alleles (0.00031%); highest among the groups gnomAD compares: African/African-American, 0.0013%; no homozygotes.

Submissions (6):

Victorian Clinical Genetics Services, Murdoch Childrens Research Institute
Classification: Pathogenic for Alstrom syndrome. Last evaluated: 2026-02-25. Review status: criteria provided, single submitter. Criteria: ACMG Guidelines, 2015. Collection method: clinical testing. Allele origin: germline. Affected: yes.
Comment: This variant is classified as Pathogenic. Evidence in support of pathogenic classification: Canonical splice site variant without proven consequence on splicing (no functional evidence available); Variant is present in gnomAD <0.01 for a recessive condition (v4: 5 heterozygote(s), 0 homozygote(s)); This variant has limited previous evidence of pathogenicity in unrelated individuals. This variant has been classified as likely pathogenic by clinical laboratories in ClinVar; Other canonical splice site variants comparable to the one identified in this case have moderate previous evidence for pathogenicity. The c.12299-1G>A and c.12299-1G>C variants have been classified as likely pathogenic by clinical laboratories in ClinVar; Abnormal splicing is predicted by in silico tool and affected nucleotide is highly conserved; Heterozygous variant detected in trans with a second PATHOGENIC heterozygous variant (NM_001378454.1(ALMS1):c.4645dup; p.(Arg1549Lysfs*10)) in a recessive disease. Additional information: This variant is heterozygous; This gene is associated with autosomal recessive disease; Alternative nucleotide change(s) at the same canonical splice site are present in gnomAD (highest allele count: v4: 14 heterozygote(s), 0 homozygote(s)); No published evidence of segregation with disease has been identified for this variant; No published functional evidence has been identified for this variant; Loss of function is a known mechanism of disease in this gene and is associated with Alstrom syndrome (MIM#203800).

Labcorp Genetics (formerly Invitae), Labcorp
Classification: Likely pathogenic for Alstrom syndrome. Last evaluated: 2025-11-02. Review status: criteria provided, single submitter. Criteria: Invitae Variant Classification Sherloc (09022015). Collection method: clinical testing. Allele origin: germline.
Comment: This sequence change affects an acceptor splice site in intron 20 of the ALMS1 gene. It is expected to disrupt RNA splicing. Variants that disrupt the donor or acceptor splice site typically lead to a loss of protein function (PMID: 16199547), and loss-of-function variants in ALMS1 are known to be pathogenic (PMID: 17594715). This variant is present in population databases (rs759788656, gnomAD 0.007%). Disruption of this splice site has been observed in individual(s) with dilated cardiomyopathy (PMID: 36252119). This variant is also known as c.12296-2A>G. ClinVar contains an entry for this variant (Variation ID: 933376). Algorithms developed to predict the effect of sequence changes on RNA splicing suggest that this variant may disrupt the consensus splice site. In summary, the currently available evidence indicates that the variant is pathogenic, but additional data are needed to prove that conclusively. Therefore, this variant has been classified as Likely Pathogenic.

Natera, Inc.
Classification: Likely pathogenic for Alstrom syndrome. Last evaluated: 2025-02-16. Review status: criteria provided, single submitter. Criteria: Natera Variant Classification Schema (03/2026). Collection method: clinical testing. Allele origin: germline.
Comment: The c.12302-2A>G variant in ALMS1 is a canonical splice acceptor site variant predicted to affect pre-mRNA splicing, which may result in an abnormal transcript and altered protein product. This variant is expected to result in nonsense mediated decay, truncation, or a dysfunctional protein product. This variant is rare in the general population with a frequency below the threshold expected for the associated phenotype(s). Given the available evidence, this variant is classified as Likely Pathogenic.

Ambry Genetics
Classification: Likely pathogenic for Cardiovascular phenotype. Last evaluated: 2019-11-27. Review status: criteria provided, single submitter. Criteria: Ambry Variant Classification Scheme 2023. Collection method: clinical testing. Allele origin: germline.
Comment: The c.12302-2A>G intronic variant results from an A to G substitution two nucleotides upstream from coding exon 21 in the ALMS1 gene. This nucleotide position is highly conserved in available vertebrate species. Using the BDGP and ESEfinder splice site prediction tools, this alteration is predicted to abolish the native splice acceptor site; however, direct evidence is unavailable. Alterations that disrupt the canonical splice site are expected to cause aberrant splicing, resulting in an abnormal protein or a transcript that is subject to nonsense-mediated mRNA decay. As such, this alteration is classified as likely pathogenic.

Kariminejad - Najmabadi Pathology & Genetics Center
Classification: Pathogenic for Alstrom syndrome. Review status: criteria provided, single submitter. Criteria: ACMG Guidelines, 2015. Collection method: clinical testing. Allele origin: germline. Affected: no.

Dr. Peter K. Rogan Lab, Western University
No classification provided (evidence only). Condition: Hepatocellular carcinoma. Review status: no classification provided. Collection method: in vitro. Allele origin: not applicable. Functional consequence: skipped exon, retained intron. Not counted in ClinVar's aggregate classification.

Literature cited by the submitters: PubMed 16199547 (cited by Labcorp Genetics (formerly Invitae), Labcorp); PubMed 17594715 (cited by Labcorp Genetics (formerly Invitae), Labcorp); PubMed 36252119 (cited by Labcorp Genetics (formerly Invitae), Labcorp).

NM_001378454.1(ALMS1):c.12299-2A>G

Gene: ALMS1 (ALMS1 centrosome and basal body associated protein; plus strand). Cytogenetic location: 2p13.1.
Variant type: single nucleotide variant.
Coding change: c.12299-2A>G on transcript NM_001378454.1 (MANE Select); the canonical splice acceptor site of the intron before coding-DNA position 12299, A replaced by G.
Molecular consequence: splice acceptor variant.
Genome position (GRCh38, 1-based): chr2:73,603,239, A>G. VCF-style: chr2-73603239-A-G. GRCh37 (hg19) VCF-style: chr2-73830366-A-G.
Other names: c.12299-2A>G (NM_015120.4); c.12302-2A>G (NM_015120.4).
Identifiers: ClinVar variation 933376 (VCV000933376.14), dbSNP rs759788656, ClinGen allele CA1715525.